The following is an entry in ClinVar:

NM_016169.3(SUFU):c.-235T>C

Genes: SUFU (SUFU negative regulator of hedgehog signaling; plus strand), LOC130004614 (ATAC-STARR-seq lymphoblastoid silent region 2764; plus strand). Cytogenetic location: 10q24.32.
Variant type: single nucleotide variant.
Coding change: c.-235T>C on transcript NM_016169.3; 235 bases upstream of the start codon, T replaced by C.
Genome position (GRCh38, 1-based): chr10:102,503,918, T>C. VCF-style: chr10-102503918-T-C. GRCh37 (hg19) VCF-style: chr10-104263675-T-C.
Identifiers: ClinVar variation 677127 (VCV000677127.4), dbSNP rs3818470, ClinGen allele CA13250607.
Genomic context (GRCh38, chr10:102,503,918, plus strand): 5'-AGTCACACCTTCCCTGCCTGTGACTGGCACAGACATTAGCCAATGGGTGCTTGGATAGGG[T>C]GCGCCGGCGCCCCGCCCCCCTTAGCGCCCCGCCGCCCCGAGGCACCCTCTGGCAGACTCG-3'

ClinVar aggregate classification (germline): Benign. Review status: criteria provided, multiple submitters, no conflicts (2 of 4 stars). 2 submissions from 2 submitters: Benign (2). Last evaluated 2018-06-18.

Allele frequency attached by ClinVar (database versions not stated): 1000 Genomes Project 0.31729; 1000 Genomes Project 30x 0.32245; TOPMed 0.35445; gnomAD 0.35181 and 0.35573.
gnomAD v4.1: 169,538 of 503,268 alleles (34%); highest among the groups gnomAD compares: African/African-American, 39%; 29,341 homozygotes.

Submissions (2):

GeneDx
Classification: Benign. Last evaluated: 2018-06-18. Review status: criteria provided, single submitter. Criteria: GeneDx Variant Classification (06012015). Collection method: clinical testing. Allele origin: germline. Affected: yes.
Comment: This variant is considered likely benign or benign based on one or more of the following criteria: it is a conservative change, it occurs at a poorly conserved position in the protein, it is predicted to be benign by multiple in silico algorithms, and/or has population frequency not consistent with disease.

Breakthrough Genomics
Classification: Benign. Review status: criteria provided, single submitter. Criteria: ACMG Guidelines, 2015. Collection method: not provided. Allele origin: germline. Inheritance: Autosomal recessive inheritance. Affected: yes.